The following is an entry in ClinVar:

ClinVar aggregate classification (germline): Uncertain significance (1 of 4 stars; one submission).

gnomAD v4.1: 1 of 1,613,628 alleles (0.000062%); highest among the groups gnomAD compares: African/African-American, 0.0013%; no homozygotes.

Submission:

Labcorp Genetics (formerly Invitae), Labcorp
Classification: Uncertain significance. Last evaluated: 2024-03-09. Review status: criteria provided, single submitter. Criteria: Invitae Variant Classification Sherloc (09022015). Collection method: clinical testing. Allele origin: germline.
Comment: This sequence change replaces arginine, which is basic and polar, with methionine, which is neutral and non-polar, at codon 292 of the MYLK3 protein (p.Arg292Met). This variant is present in population databases (rs774586080, gnomAD 0.007%). This variant has not been reported in the literature in individuals affected with MYLK3-related conditions. Algorithms developed to predict the effect of missense changes on protein structure and function output the following: SIFT: "Not Available"; PolyPhen-2: "Benign"; Align-GVGD: "Not Available". The methionine amino acid residue is found in multiple mammalian species, which suggests that this missense change does not adversely affect protein function. In summary, the available evidence is currently insufficient to determine the role of this variant in disease. Therefore, it has been classified as a Variant of Uncertain Significance.

NM_182493.3(MYLK3):c.875G>T (p.Arg292Met)

Gene: MYLK3 (myosin light chain kinase 3; minus strand). Cytogenetic location: 16q11.2.
Variant type: single nucleotide variant.
Coding change: c.875G>T on transcript NM_182493.3 (MANE Select); coding-DNA position 875, G replaced by T.
Protein change: p.Arg292Met; replaces arginine 292 with methionine.
Molecular consequence: missense variant. On other transcripts: intron variant (1).
Genome position (GRCh38, 1-based): chr16:46,737,837, C>A on the plus strand (G>T on the coding strand, the complement: MYLK3 is on the minus strand). VCF-style: chr16-46737837-C-A. GRCh37 (hg19) VCF-style: chr16-46771749-C-A.
Other names: c.-23+2220G>T (NM_001308301.1); short protein forms R292M.
Identifiers: ClinVar variation 3620891 (VCV003620891.2).